The following is an entry in ClinVar:

ClinVar aggregate classification (germline): Uncertain significance (1 of 4 stars; one submission).

Submissions (2):

CeGaT Center for Human Genetics Tuebingen
Classification: Uncertain significance. Last evaluated: 2025-08-01. Review status: criteria provided, single submitter. Criteria: CeGaT Center For Human Genetics Tuebingen Variant Classification Criteria Version 2. Collection method: clinical testing. Allele origin: germline. Affected: yes. Observed: 1 variant allele.
Comment: ATP1A3: PM2, PP2, PP3

Dr. Peter K. Rogan Lab, Western University
No classification provided (evidence only). Condition: Melanoma. Review status: no classification provided. Collection method: in vitro. Allele origin: not applicable. Functional consequence: retained intron. Not counted in ClinVar's aggregate classification.

NM_152296.5(ATP1A3):c.532G>A (p.Gly178Arg)

Gene: ATP1A3 (ATPase Na+/K+ transporting subunit alpha 3; minus strand). Cytogenetic location: 19q13.2.
Variant type: single nucleotide variant.
Coding change: c.532G>A on transcript NM_152296.5 (MANE Select); coding-DNA position 532, G replaced by A.
Protein change: p.Gly178Arg; replaces glycine 178 with arginine.
Molecular consequence: missense variant.
Genome position (GRCh38, 1-based): chr19:41,985,938, C>T on the plus strand (G>A on the coding strand, the complement: ATP1A3 is on the minus strand). VCF-style: chr19-41985938-C-T. GRCh37 (hg19) VCF-style: chr19-42490090-C-T.
Other names: NC_000019.9:g.42490090C>T; c.565G>A, p.Gly189Arg (NM_001256213.2); c.571G>A, p.Gly191Arg (NM_001256214.2); short protein forms G178R, G189R, G191R.
Identifiers: ClinVar variation 4085972 (VCV004085972.9).
Genomic context (GRCh38, chr19:41,985,938, plus strand): 5'-CTGAGATGATCCGCAGGTCAGCTGGCACTCGGTCTCCACCCTTGATCTCCACCAGGTCCC[C>T]GACCACCACCTCCTCAGCGTTCACCTGCATCTTCTCACCTTCCCGGATCACCAGGGCTTG-3'
Protein context (NP_689509.1, residues 168-188): MQVNAEEVVV[Gly178Arg]DLVEIKGGDR